The following is an entry in ClinVar:

NM_006231.4(POLE):c.2261A>G (p.Tyr754Cys)

Gene: POLE (DNA polymerase epsilon, catalytic subunit; minus strand). Cytogenetic location: 12q24.33.
Variant type: single nucleotide variant.
Coding change: c.2261A>G on transcript NM_006231.4 (MANE Select); coding-DNA position 2261, A replaced by G.
Protein change: p.Tyr754Cys; replaces tyrosine 754 with cysteine.
Molecular consequence: missense variant.
Genome position (GRCh38, 1-based): chr12:132,667,561, T>C on the plus strand (A>G on the coding strand, the complement: POLE is on the minus strand). VCF-style: chr12-132667561-T-C. GRCh37 (hg19) VCF-style: chr12-133244147-T-C.
Other names: short protein forms Y754C.
Identifiers: ClinVar variation 837749 (VCV000837749.13), dbSNP rs2042824620, ClinGen allele CA387352188.

ClinVar aggregate classification (germline): Uncertain significance. Review status: criteria provided, multiple submitters, no conflicts (2 of 4 stars). 2 submissions from 2 submitters: Uncertain significance (2). Last evaluated 2025-02-10.

Conditions:
Hereditary cancer-predisposing syndrome. Also called: Neoplastic Syndromes, Hereditary; Tumor predisposition; Hereditary neoplastic syndrome; Hereditary Cancer Syndrome. Identifiers: Orphanet 140162, MedGen C0027672, MeSH D009386, MONDO:0015356.

Allele frequency attached by ClinVar (database versions not stated): gnomAD exomes below 0.00001.
gnomAD v4.1: 4 of 1,613,620 alleles (0.00025%); highest among the groups gnomAD compares: Non-Finnish European, 0.00034%; no homozygotes.

Submissions (2):

Labcorp Genetics (formerly Invitae), Labcorp
Classification: Uncertain significance. Last evaluated: 2025-02-10. Review status: criteria provided, single submitter. Criteria: Invitae Variant Classification Sherloc (09022015). Collection method: clinical testing. Allele origin: germline.
Comment: This sequence change replaces tyrosine, which is neutral and polar, with cysteine, which is neutral and slightly polar, at codon 754 of the POLE protein (p.Tyr754Cys). This variant is not present in population databases (gnomAD no frequency). This variant has not been reported in the literature in individuals affected with POLE-related conditions. ClinVar contains an entry for this variant (Variation ID: 837749). Invitae Evidence Modeling of protein sequence and biophysical properties (such as structural, functional, and spatial information, amino acid conservation, physicochemical variation, residue mobility, and thermodynamic stability) indicates that this missense variant is expected to disrupt POLE protein function with a positive predictive value of 80%. In summary, the available evidence is currently insufficient to determine the role of this variant in disease. Therefore, it has been classified as a Variant of Uncertain Significance.

Ambry Genetics
Classification: Uncertain significance for Hereditary cancer-predisposing syndrome. Last evaluated: 2024-12-28. Review status: criteria provided, single submitter. Criteria: Ambry Variant Classification Scheme 2023. Collection method: clinical testing. Allele origin: germline.
Comment: The p.Y754C variant (also known as c.2261A>G), located in coding exon 20 of the POLE gene, results from an A to G substitution at nucleotide position 2261. The tyrosine at codon 754 is replaced by cysteine, an amino acid with highly dissimilar properties. This amino acid position is highly conserved in available vertebrate species. In addition, this alteration is predicted to be deleterious by in silico analysis. Based on the available evidence, the clinical significance of this variant remains unclear.